The following is an entry in ClinVar:

ClinVar aggregate classification (germline): Benign (1 of 4 stars; one submission).

Conditions:
Familial adenomatous polyposis 1 (FAP1). Also called: POLYPOSIS, ADENOMATOUS INTESTINAL; FAMILIAL ADENOMATOUS POLYPOSIS 1, ATTENUATED. Identifiers: MedGen C2713442, MONDO:0021056, OMIM 175100. Disease mechanism: loss of function.

Submission:

Myriad Genetics, Inc.
Classification: Benign for Familial adenomatous polyposis 1. Last evaluated: 2024-04-08. Review status: criteria provided, single submitter. Criteria: Myriad Autosomal Dominant, Autosomal Recessive and X-Linked Classification Criteria (2023). Collection method: clinical testing. Allele origin: unknown.
Comment: This variant is considered benign. This variant is a silent/synonymous amino acid change and it is not expected to impact splicing.

NM_000038.6(APC):c.6930A>G (p.Ser2310=)

Gene: APC (APC regulator of Wnt signaling pathway; plus strand). Cytogenetic location: 5q22.2.
Variant type: single nucleotide variant.
Coding change: c.6930A>G on transcript NM_000038.6 (MANE Select); coding-DNA position 6930, A replaced by G.
Protein change: p.Ser2310=; no amino-acid change (serine 2310 retained).
Molecular consequence: synonymous variant. On other transcripts: non-coding transcript variant (2).
Genome position (GRCh38, 1-based): chr5:112,842,524, A>G. VCF-style: chr5-112842524-A-G. GRCh37 (hg19) VCF-style: chr5-112178221-A-G.
Other names: c.5778A>G, p.Ser1926= (NM_001407471.1, NM_001407472.1); c.6930A>G, p.Ser2310= (NM_001127510.3, NM_001354895.2, NM_001407450.1); c.6876A>G, p.Ser2292= (NM_001127511.3); c.6984A>G, p.Ser2328= (NM_001354896.2, NM_001407447.1, NM_001407448.1 and 1 more transcripts); c.6960A>G, p.Ser2320= (NM_001354897.2); c.6855A>G, p.Ser2285= (NM_001354898.2); c.6846A>G, p.Ser2282= (NM_001354899.2); c.6807A>G, p.Ser2269= (NM_001354900.2); and 11 more.
Identifiers: ClinVar variation 3253884 (VCV003253884.1), dbSNP rs2149976488.